The following is an entry in ClinVar:

ClinVar aggregate classification (germline): Uncertain significance (0 of 4 stars; one submission).

Conditions:
NCOA1-related disorder. Also called: NCOA1-related condition.

gnomAD v4.1: 25 of 1,614,228 alleles (0.0015%); highest among the groups gnomAD compares: Non-Finnish European, 0.0021%; no homozygotes.

Submission:

PreventionGenetics, part of Exact Sciences
Classification: Uncertain significance for NCOA1-related condition. Last evaluated: 2024-07-09. Review status: no assertion criteria provided. Collection method: clinical testing. Allele origin: germline.
Comment: The NCOA1 c.1791A>C variant is predicted to result in the amino acid substitution p.Gln597His. To our knowledge, this variant has not been reported in the literature. This variant is reported in 0.00088% of alleles in individuals of European (Non-Finnish) descent in gnomAD. At this time, the clinical significance of this variant is uncertain due to the absence of conclusive functional and genetic evidence.

NM_003743.5(NCOA1):c.1791A>C (p.Gln597His)

Gene: NCOA1 (nuclear receptor coactivator 1; plus strand). Cytogenetic location: 2p23.3.
Variant type: single nucleotide variant.
Coding change: c.1791A>C on transcript NM_003743.5 (MANE Select); coding-DNA position 1791, A replaced by C.
Protein change: p.Gln597His; replaces glutamine 597 with histidine.
Molecular consequence: missense variant.
Genome position (GRCh38, 1-based): chr2:24,707,261, A>C. VCF-style: chr2-24707261-A-C. GRCh37 (hg19) VCF-style: chr2-24930130-A-C.
Other names: c.1791A>C, p.Gln597His (NM_001362950.1, NM_001362952.1, NM_001362954.1 and 3 more transcripts); short protein forms Q597H.
Identifiers: ClinVar variation 3356252 (VCV003356252.1).